The following is an entry in ClinVar:

ClinVar aggregate classification (germline): Uncertain significance. Review status: criteria provided, multiple submitters, no conflicts (2 of 4 stars). 2 submissions from 2 submitters: Uncertain significance (2). Last evaluated 2022-05-26.

Conditions:
Hereditary cancer-predisposing syndrome. Also called: Hereditary neoplastic syndrome; Neoplastic Syndromes, Hereditary; Tumor predisposition; Hereditary Cancer Syndrome. Identifiers: Orphanet 140162, MedGen C0027672, MeSH D009386, MONDO:0015356.

Submissions (2):

Ambry Genetics
Classification: Uncertain significance for Hereditary cancer-predisposing syndrome. Last evaluated: 2022-05-26. Review status: criteria provided, single submitter. Criteria: Ambry Variant Classification Scheme 2023. Collection method: clinical testing. Allele origin: germline.
Comment: The p.N295S variant (also known as c.884A>G), located in coding exon 9 of the RB1 gene, results from an A to G substitution at nucleotide position 884. The asparagine at codon 295 is replaced by serine, an amino acid with highly similar properties. This amino acid position is conserved. In addition, this alteration is predicted to be tolerated by in silico analysis. Since supporting evidence is limited at this time, the clinical significance of this alteration remains unclear.

GeneDx
Classification: Uncertain significance. Last evaluated: 2020-10-29. Review status: criteria provided, single submitter. Criteria: GeneDx Variant Classification Process June 2021. Collection method: clinical testing. Allele origin: germline. Affected: yes.
Comment: Not observed in large population cohorts (Lek et al., 2016); In silico analysis supports that this missense variant does not alter protein structure/function; Has not been previously published as pathogenic or benign to our knowledge

NM_000321.3(RB1):c.884A>G (p.Asn295Ser)

Gene: RB1 (RB transcriptional corepressor 1; plus strand). Cytogenetic location: 13q14.2.
Variant type: single nucleotide variant.
Coding change: c.884A>G on transcript NM_000321.3 (MANE Select); coding-DNA position 884, A replaced by G.
Protein change: p.Asn295Ser; replaces asparagine 295 with serine.
Molecular consequence: missense variant.
Genome position (GRCh38, 1-based): chr13:48,364,916, A>G. VCF-style: chr13-48364916-A-G. GRCh37 (hg19) VCF-style: chr13-48939052-A-G.
Other names: short protein forms N295S.
Identifiers: ClinVar variation 1313647 (VCV001313647.4), dbSNP rs2138116381, ClinGen allele CA388159913.
Genomic context (GRCh38, chr13:48,364,916, plus strand): 5'-AAATTTTAATGATCATGTTGTAACTTCATCTTTTTCAGGTGAAAAATGTTTATTTCAAAA[A>G]TTTTATACCTTTTATGAATTCTCTTGGACTTGTAACATCTAATGGACTTCCAGAGGTAAT-3'
Protein context (NP_000312.2, residues 285-305): IDEVKNVYFK[Asn295Ser]FIPFMNSLGL